The following is an entry in ClinVar:

ClinVar aggregate classification (germline): Uncertain significance. Review status: criteria provided, multiple submitters, no conflicts (2 of 4 stars). 4 submissions from 4 submitters: Uncertain significance (4). Last evaluated 2024-05-23.

Conditions:
Inborn genetic diseases. Identifiers: MedGen C0950123, MeSH D030342.
FREM1-related disorder. Also called: FREM1-Related Disorders; FREM1-related condition.
BNAR syndrome. Also called: Bifid Nose With or Without Anorectal and Renal Anomalies (BNAR) Syndrome. Identifiers: Orphanet 217266, MedGen C2750433, MONDO:0012165, OMIM 608980.
Oculotrichoanal syndrome (MOTA). Also called: MARLES SYNDROME; Manitoba Oculotrichoanal (MOTA) Syndrome. Identifiers: Orphanet 2717, MedGen C1855425, MONDO:0009560, OMIM 248450.
Trigonocephaly 2 (TRIGNO2). Identifiers: Orphanet 3366, MedGen C3280974, MONDO:0013774, OMIM 614485.

Allele frequency attached by ClinVar (database versions not stated): TOPMed 0.00028.
gnomAD v4.1: 20 of 1,400,012 alleles (0.0014%); highest among the groups gnomAD compares: Admixed American, 0.029%; no homozygotes.

Submissions (4):

Ambry Genetics
Classification: Uncertain significance for Inborn genetic diseases. Last evaluated: 2024-05-23. Review status: criteria provided, single submitter. Criteria: Ambry Variant Classification Scheme 2023. Collection method: clinical testing. Allele origin: germline.

Fulgent Genetics
Classification: Uncertain significance for Oculotrichoanal syndrome; BNAR syndrome; Trigonocephaly 2. Last evaluated: 2024-01-22. Review status: criteria provided, single submitter. Criteria: ACMG Guidelines, 2015. Collection method: clinical testing. Allele origin: germline.

PreventionGenetics, part of Exact Sciences
Classification: Uncertain significance for FREM1-related condition. Last evaluated: 2022-12-21. Review status: criteria provided, single submitter. Criteria: ACMG Guidelines, 2015. Collection method: clinical testing. Allele origin: germline.
Comment: The FREM1 c.2563A>G variant is predicted to result in the amino acid substitution p.Thr855Ala. To our knowledge, this variant has not been reported in the literature. This variant is reported in 0.012% of alleles in individuals of Latino descent in gnomAD. At this time, the clinical significance of this variant is uncertain due to the absence of conclusive functional and genetic evidence.

Labcorp Genetics (formerly Invitae), Labcorp
Classification: Uncertain significance. Last evaluated: 2022-10-21. Review status: criteria provided, single submitter. Criteria: Invitae Variant Classification Sherloc (09022015). Collection method: clinical testing. Allele origin: germline.
Comment: Advanced modeling of protein sequence and biophysical properties (such as structural, functional, and spatial information, amino acid conservation, physicochemical variation, residue mobility, and thermodynamic stability) performed at Invitae indicates that this missense variant is not expected to disrupt FREM1 protein function. This variant has not been reported in the literature in individuals affected with FREM1-related conditions. This variant is present in population databases (no rsID available, gnomAD 0.008%). This sequence change replaces threonine, which is neutral and polar, with alanine, which is neutral and non-polar, at codon 855 of the FREM1 protein (p.Thr855Ala). In summary, the available evidence is currently insufficient to determine the role of this variant in disease. Therefore, it has been classified as a Variant of Uncertain Significance.

NM_001379081.2(FREM1):c.2563A>G (p.Thr855Ala)

Gene: FREM1 (FRAS1 related extracellular matrix 1; minus strand). Cytogenetic location: 9p22.3.
Variant type: single nucleotide variant.
Coding change: c.2563A>G on transcript NM_001379081.2 (MANE Select); coding-DNA position 2563, A replaced by G.
Protein change: p.Thr855Ala; replaces threonine 855 with alanine.
Molecular consequence: missense variant. On other transcripts: non-coding transcript variant (2).
Genome position (GRCh38, 1-based): chr9:14,816,855, T>C on the plus strand (A>G on the coding strand, the complement: FREM1 is on the minus strand). VCF-style: chr9-14816855-T-C. GRCh37 (hg19) VCF-style: chr9-14816853-T-C.
Other names: c.2563A>G, p.Thr855Ala (NM_144966.7); short protein forms T855A.
Identifiers: ClinVar variation 2078677 (VCV002078677.6), dbSNP rs866082192, ClinGen allele CA189345336.
Genomic context (GRCh38, chr9:14,816,855, plus strand): 5'-ATTCTGCTGAATTTGTGCCATCGGTGACCTCCAAGAGTAGGTCATCCTGAAGAACTTCAG[T>C]TCCATCATGTTGATACCTGTGGGGATAATATTTGTCACCAACCTCTTAGGAACAGTGTGA-3'
Protein context (NP_001366010.1, residues 845-865): TLKVRYQHDG[Thr855Ala]EVLQDDLLLE